The following is an entry in ClinVar:

NM_152783.5(D2HGDH):c.190A>G (p.Lys64Glu)

Genes: D2HGDH (D-2-hydroxyglutarate dehydrogenase; plus strand), LOC129936032 (ATAC-STARR-seq lymphoblastoid silent region 12559; plus strand). Cytogenetic location: 2q37.3.
Variant type: single nucleotide variant.
Coding change: c.190A>G on transcript NM_152783.5 (MANE Select); coding-DNA position 190, A replaced by G.
Protein change: p.Lys64Glu; replaces lysine 64 with glutamic acid.
Molecular consequence: missense variant. On other transcripts: 5 prime UTR variant (1), non-coding transcript variant (1), intron variant (1).
Genome position (GRCh38, 1-based): chr2:241,735,414, A>G. VCF-style: chr2-241735414-A-G. GRCh37 (hg19) VCF-style: chr2-242674829-A-G.
Other names: c.-355A>G (NM_001352824.2); c.-111+719A>G (NM_001287249.2); short protein forms K64E.
Identifiers: ClinVar variation 4747507 (VCV004747507.1).

ClinVar aggregate classification (germline): Uncertain significance (1 of 4 stars; one submission).

Conditions:
D-2-hydroxyglutaric aciduria 1 (D2HGA1). Identifiers: Orphanet 79315, MedGen C3152055, MONDO:0024554, OMIM 600721.

Submission:

Labcorp Genetics (formerly Invitae), Labcorp
Classification: Uncertain significance for D-2-hydroxyglutaric aciduria 1. Last evaluated: 2025-10-17. Review status: criteria provided, single submitter. Criteria: Invitae Variant Classification Sherloc (09022015). Collection method: clinical testing. Allele origin: germline.
Comment: This sequence change replaces lysine, which is basic and polar, with glutamic acid, which is acidic and polar, at codon 64 of the D2HGDH protein (p.Lys64Glu). This variant is not present in population databases (gnomAD no frequency). This variant has not been reported in the literature in individuals affected with D2HGDH-related conditions. Invitae Evidence Modeling of protein sequence and biophysical properties (such as structural, functional, and spatial information, amino acid conservation, physicochemical variation, residue mobility, and thermodynamic stability) indicates that this missense variant is not expected to disrupt D2HGDH protein function with a negative predictive value of 95%. In summary, the available evidence is currently insufficient to determine the role of this variant in disease. Therefore, it has been classified as a Variant of Uncertain Significance.